The following is an entry in ClinVar:

NM_001085049.3(MRAS):c.577C>T (p.Arg193Trp)

Gene: MRAS (muscle RAS oncogene homolog; plus strand). Cytogenetic location: 3q22.3.
Variant type: single nucleotide variant.
Coding change: c.577C>T on transcript NM_001085049.3 (MANE Select); coding-DNA position 577, C replaced by T.
Protein change: p.Arg193Trp; replaces arginine 193 with tryptophan.
Molecular consequence: missense variant.
Genome position (GRCh38, 1-based): chr3:138,402,219, C>T. VCF-style: chr3-138402219-C-T. GRCh37 (hg19) VCF-style: chr3-138121061-C-T.
Other names: c.577C>T, p.Arg193Trp (NM_001252090.2, NM_012219.4); c.349C>T, p.Arg117Trp (NM_001252091.1, NM_001252092.2, NM_001252093.2); short protein forms R193W, R117W.
Identifiers: ClinVar variation 1749598 (VCV001749598.2), dbSNP rs1292662955, ClinGen allele CA354677944.

ClinVar aggregate classification (germline): Uncertain significance (1 of 4 stars; one submission).

Conditions:
Inborn genetic diseases. Identifiers: MedGen C0950123, MeSH D030342.

Submission:

Ambry Genetics
Classification: Uncertain significance for Inborn genetic diseases. Last evaluated: 2022-06-19. Review status: criteria provided, single submitter. Criteria: Ambry Variant Classification Scheme 2023. Collection method: clinical testing. Allele origin: germline.
Comment: The p.R193W variant (also known as c.577C>T), located in coding exon 5 of the MRAS gene, results from a C to T substitution at nucleotide position 577. The arginine at codon 193 is replaced by tryptophan, an amino acid with dissimilar properties. This amino acid position is conserved. In addition, the in silico prediction for this alteration is inconclusive. Since supporting evidence is limited at this time, the clinical significance of this alteration remains unclear.